The following is an entry in ClinVar:

NM_181486.4(TBX5):c.90C>A (p.Ser30Arg)

Gene: TBX5 (T-box transcription factor 5; minus strand). Cytogenetic location: 12q24.21.
Variant type: single nucleotide variant.
Coding change: c.90C>A on transcript NM_181486.4 (MANE Select); coding-DNA position 90, C replaced by A.
Protein change: p.Ser30Arg; replaces serine 30 with arginine.
Molecular consequence: missense variant. On other transcripts: intron variant (1).
Genome position (GRCh38, 1-based): chr12:114,403,809, G>T on the plus strand (C>A on the coding strand, the complement: TBX5 is on the minus strand). VCF-style: chr12-114403809-G-T. GRCh37 (hg19) VCF-style: chr12-114841614-G-T.
Other names: c.90C>A, p.Ser30Arg (NM_000192.3); c.-3-1889C>A (NM_080717.4); short protein forms S30R.
Identifiers: ClinVar variation 2907894 (VCV002907894.3), dbSNP rs1872000801, ClinGen allele CA386863524.

ClinVar aggregate classification (germline): Uncertain significance (1 of 4 stars; one submission).

Conditions:
Aortic valve disease 2 (AOVD2). Identifiers: MedGen C3542024, MONDO:0013902, OMIM 614823.

gnomAD v4.1: 1 of 1,614,106 alleles (0.000062%); highest among the groups gnomAD compares: South Asian, 0.0011%; no homozygotes.

Submission:

Labcorp Genetics (formerly Invitae), Labcorp
Classification: Uncertain significance for Aortic valve disease 2. Last evaluated: 2023-02-21. Review status: criteria provided, single submitter. Criteria: Invitae Variant Classification Sherloc (09022015). Collection method: clinical testing. Allele origin: germline.
Comment: This sequence change replaces serine, which is neutral and polar, with arginine, which is basic and polar, at codon 30 of the TBX5 protein (p.Ser30Arg). This variant is not present in population databases (gnomAD no frequency). This variant has not been reported in the literature in individuals affected with TBX5-related conditions. Advanced modeling of protein sequence and biophysical properties (such as structural, functional, and spatial information, amino acid conservation, physicochemical variation, residue mobility, and thermodynamic stability) performed at Invitae indicates that this missense variant is not expected to disrupt TBX5 protein function. In summary, the available evidence is currently insufficient to determine the role of this variant in disease. Therefore, it has been classified as a Variant of Uncertain Significance.